The following is an entry in ClinVar:

ClinVar aggregate classification (germline): Pathogenic/Likely pathogenic. Review status: criteria provided, multiple submitters, no conflicts (2 of 4 stars). 5 submissions from 5 submitters: Pathogenic (4); Likely pathogenic (1). Last evaluated 2026-01-13.

Conditions:
Parathyroid carcinoma (PRTC). Also called: Parathyroid gland carcinoma; CDC73-Related Parathyroid Carcinoma. Identifiers: Orphanet 143, MedGen C0687150, MONDO:0012004, OMIM 608266, HP:0006780.
CDC73-related disorder. Also called: CDC73-related disorders; CDC73-related condition. Identifiers: MedGen CN169292.
Hereditary cancer-predisposing syndrome. Also called: Hereditary neoplastic syndrome; Neoplastic Syndromes, Hereditary; Hereditary Cancer Syndrome; Tumor predisposition. Identifiers: Orphanet 140162, MedGen C0027672, MeSH D009386, MONDO:0015356.

Submissions (5):

Labcorp Genetics (formerly Invitae), Labcorp
Classification: Pathogenic for Parathyroid carcinoma. Last evaluated: 2026-01-13. Review status: criteria provided, single submitter. Criteria: Invitae Variant Classification Sherloc (09022015). Collection method: clinical testing. Allele origin: germline.
Comment: This sequence change creates a premature translational stop signal (p.Arg126*) in the CDC73 gene. It is expected to result in an absent or disrupted protein product. Loss-of-function variants in CDC73 are known to be pathogenic (PMID: 12434154). This variant is not present in population databases (gnomAD no frequency). This premature translational stop signal has been observed in individual(s) with parathyroid adenoma, jaw tumor, and/or primary hyperparathyroidism (PMID: 23293331; internal data). ClinVar contains an entry for this variant (Variation ID: 462760). For these reasons, this variant has been classified as Pathogenic.

CeGaT Center for Human Genetics Tuebingen
Classification: Pathogenic. Last evaluated: 2025-06-01. Review status: criteria provided, single submitter. Criteria: CeGaT Center For Human Genetics Tuebingen Variant Classification Criteria Version 2. Collection method: clinical testing. Allele origin: germline. Affected: yes. Observed: 1 variant allele.
Comment: CDC73: PVS1, PM2, PS4:Moderate

Ambry Genetics
Classification: Pathogenic for Hereditary cancer-predisposing syndrome. Last evaluated: 2023-10-26. Review status: criteria provided, single submitter. Criteria: Ambry Variant Classification Scheme 2023. Collection method: clinical testing. Allele origin: germline.
Comment: The p.R126* pathogenic mutation (also known as c.376C>T), located in coding exon 5 of the CDC73 gene, results from a C to T substitution at nucleotide position 376. This changes the amino acid from an arginine to a stop codon within coding exon 5. This alteration has been identified in multiple individuals with hyperparathyroidism (Bricaire L et al. J. Clin. Endocrinol. Metab., 2013 Feb;98:E403-8; Koikawa K et al. Intern. Med., 2018 Mar;57:841-844). In addition to the clinical data presented in the literature, this alteration is expected to result in loss of function by premature protein truncation or nonsense-mediated mRNA decay. As such, this alteration is interpreted as a disease-causing mutation.

GeneDx
Classification: Likely pathogenic. Last evaluated: 2022-09-09. Review status: criteria provided, single submitter. Criteria: GeneDx Variant Classification Process June 2021. Collection method: clinical testing. Allele origin: germline. Affected: yes.
Comment: Nonsense variant predicted to result in protein truncation or nonsense mediated decay in a gene for which loss of function is a known mechanism of disease; Not observed at significant frequency in large population cohorts (gnomAD); This variant is associated with the following publications: (PMID: 23293331, 29225260, 32590342, 35586626)

Blueprint Genetics
Classification: Pathogenic for CDC73-related disorders. Last evaluated: 2018-11-27. Review status: criteria provided, single submitter. Criteria: ACMG Guidelines, 2015. Collection method: clinical testing. Allele origin: germline. Affected: yes. Observed: 1 variant allele.

Literature cited by the submitters: PubMed 12434154 (cited by Labcorp Genetics (formerly Invitae), Labcorp); PubMed 23293331 (cited by Labcorp Genetics (formerly Invitae), Labcorp and Ambry Genetics); PubMed 29225260 (cited by Ambry Genetics).

NM_024529.5(CDC73):c.376C>T (p.Arg126Ter)

Gene: CDC73 (cell division cycle 73; plus strand). Cytogenetic location: 1q31.2.
Variant type: single nucleotide variant.
Coding change: c.376C>T on transcript NM_024529.5 (MANE Select); coding-DNA position 376, C replaced by T.
Protein change: p.Arg126Ter; replaces arginine 126 with a stop codon.
Molecular consequence: nonsense.
Genome position (GRCh38, 1-based): chr1:193,135,542, C>T. VCF-style: chr1-193135542-C-T. GRCh37 (hg19) VCF-style: chr1-193104672-C-T.
Other names: short protein forms R126*.
Identifiers: ClinVar variation 462760 (VCV000462760.25), dbSNP rs1553278844, ClinGen allele CA343960611.